The following is an entry in ClinVar:

ClinVar aggregate classification (germline): Uncertain significance. Review status: criteria provided, multiple submitters, no conflicts (2 of 4 stars). 2 submissions from 2 submitters: Uncertain significance (2). Last evaluated 2025-12-23.

Allele frequency attached by ClinVar (database versions not stated): gnomAD exomes 0.00001.
gnomAD v4.1: 9 of 1,614,208 alleles (0.00056%); highest among the groups gnomAD compares: Non-Finnish European, 0.00076%; no homozygotes.

Submissions (2):

Labcorp Genetics (formerly Invitae), Labcorp
Classification: Uncertain significance. Last evaluated: 2025-12-23. Review status: criteria provided, single submitter. Criteria: Invitae Variant Classification Sherloc (09022015). Collection method: clinical testing. Allele origin: germline.
Comment: This sequence change replaces aspartic acid, which is acidic and polar, with asparagine, which is neutral and polar, at codon 1133 of the NLRP1 protein (p.Asp1133Asn). This variant is not present in population databases (gnomAD no frequency). This variant has not been reported in the literature in individuals affected with NLRP1-related conditions. ClinVar contains an entry for this variant (Variation ID: 1375342). An algorithm developed to predict the effect of missense changes on protein structure and function outputs the following: PolyPhen-2: "Probably Damaging". The asparagine amino acid residue is found in multiple mammalian species, which suggests that this missense change does not adversely affect protein function. In summary, the available evidence is currently insufficient to determine the role of this variant in disease. Therefore, it has been classified as a Variant of Uncertain Significance.

Blueprint Genetics
Classification: Uncertain significance. Last evaluated: 2020-07-15. Review status: criteria provided, single submitter. Criteria: ACMG Guidelines, 2015. Collection method: clinical testing. Allele origin: germline.

NM_033004.4(NLRP1):c.3397G>A (p.Asp1133Asn)

Gene: NLRP1 (NLR family pyrin domain containing 1; minus strand). Cytogenetic location: 17p13.2.
Variant type: single nucleotide variant.
Coding change: c.3397G>A on transcript NM_033004.4 (MANE Select); coding-DNA position 3397, G replaced by A.
Protein change: p.Asp1133Asn; replaces aspartic acid 1133 with asparagine.
Molecular consequence: missense variant.
Genome position (GRCh38, 1-based): chr17:5,530,604, C>T on the plus strand (G>A on the coding strand, the complement: NLRP1 is on the minus strand). VCF-style: chr17-5530604-C-T. GRCh37 (hg19) VCF-style: chr17-5433924-C-T.
Other names: c.3409G>A, p.Asp1137Asn (NM_001033053.3); c.3397G>A, p.Asp1133Asn (NM_014922.5); c.3307G>A, p.Asp1103Asn (NM_033006.4, NM_033007.4); short protein forms D1103N, D1133N, D1137N.
Identifiers: ClinVar variation 1375342 (VCV001375342.7), dbSNP rs200758471, ClinGen allele CA287284747.